The following is an entry in ClinVar:

NM_001001557.4(GDF6):c.896C>T (p.Ser299Leu)

Gene: GDF6 (growth differentiation factor 6; minus strand). Cytogenetic location: 8q22.1.
Variant type: single nucleotide variant.
Coding change: c.896C>T on transcript NM_001001557.4 (MANE Select); coding-DNA position 896, C replaced by T.
Protein change: p.Ser299Leu; replaces serine 299 with leucine.
Molecular consequence: missense variant.
Genome position (GRCh38, 1-based): chr8:96,145,035, G>A on the plus strand (C>T on the coding strand, the complement: GDF6 is on the minus strand). VCF-style: chr8-96145035-G-A. GRCh37 (hg19) VCF-style: chr8-97157263-G-A.
Other names: short protein forms S299L.
Identifiers: ClinVar variation 1002101 (VCV001002101.6), dbSNP rs761634996, ClinGen allele CA4815392.

ClinVar aggregate classification (germline): Uncertain significance (1 of 4 stars; one submission).

Conditions:
Klippel-Feil syndrome 1, autosomal dominant (KFS1). Also called: CERVICAL VERTEBRAL FUSION, AUTOSOMAL DOMINANT. Identifiers: Orphanet 2345, MedGen C1861689, MONDO:0007306, OMIM 118100.
Leber congenital amaurosis 17 (LCA17). Identifiers: Orphanet 65, MedGen C3715164, MONDO:0014145, OMIM 615360.
Isolated microphthalmia 4. Identifiers: Orphanet 2542, MedGen C2751307, MONDO:0013130, OMIM 613094.
Microphthalmia, isolated, with coloboma 6 (MCOPCB6). Also called: Microphthalmia with coloboma 6, digenic; Microphthalmia with coloboma 6; MICROPHTHALMIA/COLOBOMA 6. Identifiers: Orphanet 98938, MedGen C3150968, MONDO:0013376, OMIM 613703.

Allele frequency attached by ClinVar (database versions not stated): gnomAD exomes 0.00002; TOPMed 0.00002; ExAC 0.00008; gnomAD 0.00001.
gnomAD v4.1: 39 of 1,455,318 alleles (0.0027%); highest among the groups gnomAD compares: Non-Finnish European, 0.0032%; no homozygotes.

Submission:

Labcorp Genetics (formerly Invitae), Labcorp
Classification: Uncertain significance for Isolated microphthalmia 4; Leber congenital amaurosis 17; Klippel-Feil syndrome 1, autosomal dominant; Microphthalmia, isolated, with coloboma 6. Last evaluated: 2025-04-17. Review status: criteria provided, single submitter. Criteria: Invitae Variant Classification Sherloc (09022015). Collection method: clinical testing. Allele origin: germline.
Comment: This sequence change replaces serine, which is neutral and polar, with leucine, which is neutral and non-polar, at codon 299 of the GDF6 protein (p.Ser299Leu). The frequency data for this variant in the population databases is considered unreliable, as metrics indicate poor data quality at this position in the gnomAD database. This variant has not been reported in the literature in individuals affected with GDF6-related conditions. ClinVar contains an entry for this variant (Variation ID: 1002101). Invitae Evidence Modeling of protein sequence and biophysical properties (such as structural, functional, and spatial information, amino acid conservation, physicochemical variation, residue mobility, and thermodynamic stability) indicates that this missense variant is not expected to disrupt GDF6 protein function with a negative predictive value of 80%. In summary, the available evidence is currently insufficient to determine the role of this variant in disease. Therefore, it has been classified as a Variant of Uncertain Significance.